The following is an entry in ClinVar:

NM_000053.4(ATP7B):c.3191A>C (p.Glu1064Ala)

Gene: ATP7B (ATPase copper transporting beta; minus strand). Cytogenetic location: 13q14.3.
Variant type: single nucleotide variant.
Coding change: c.3191A>C on transcript NM_000053.4 (MANE Select); coding-DNA position 3191, A replaced by C.
Protein change: p.Glu1064Ala; replaces glutamic acid 1064 with alanine.
Molecular consequence: missense variant.
Genome position (GRCh38, 1-based): chr13:51,944,161, T>G on the plus strand (A>C on the coding strand, the complement: ATP7B is on the minus strand). VCF-style: chr13-51944161-T-G. GRCh37 (hg19) VCF-style: chr13-52518297-T-G.
Other names: c.2570A>C, p.Glu857Ala (NM_001005918.3); c.2858A>C, p.Glu953Ala (NM_001243182.2); c.2957A>C, p.Glu986Ala (NM_001330578.2); c.2939A>C, p.Glu980Ala (NM_001330579.2); short protein forms E1064A, E980A, E857A, E953A, E986A.
Identifiers: ClinVar variation 370081 (VCV000370081.98), dbSNP rs374094065, ClinGen allele CA6988781.

ClinVar aggregate classification (germline): Pathogenic/Likely pathogenic. Review status: criteria provided, multiple submitters, no conflicts (2 of 4 stars). 20 submissions from 20 submitters: Pathogenic (15); Likely pathogenic (4). 1 of the submissions does not count toward it. Last evaluated 2026-02-03.

Conditions:
ATP7B-related disorder. Also called: ATP7B-related condition.
Inborn genetic diseases. Identifiers: MedGen C0950123, MeSH D030342.
Wilson disease (WND). Also called: Wilson's disease. Identifiers: Orphanet 905, MedGen C0019202, MONDO:0010200, OMIM 277900. Disease mechanism: loss of function.

Allele frequency attached by ClinVar (database versions not stated): gnomAD 0.00009; ExAC 0.00013; gnomAD exomes 0.00015 and 0.00005; ESP Exome Variant Server 0.00008; TOPMed 0.00008.
gnomAD v4.1: 100 of 1,614,024 alleles (0.0062%); highest among the groups gnomAD compares: African/African-American, 0.0013%; 1 homozygote.

Submissions 1 to 8 of 20:

Labcorp Genetics (formerly Invitae), Labcorp
Classification: Pathogenic for Wilson disease. Last evaluated: 2026-02-03. Review status: criteria provided, single submitter. Criteria: Invitae Variant Classification Sherloc (09022015). Collection method: clinical testing. Allele origin: germline.
Comment: This sequence change replaces glutamic acid, which is acidic and polar, with alanine, which is neutral and non-polar, at codon 1064 of the ATP7B protein (p.Glu1064Ala). This variant is present in population databases (rs374094065, gnomAD 0.3%). This missense change has been observed in individual(s) with Wilson disease (PMID: 2610069, 9311736, 15723329, 16175588, 23518715). In at least one individual the data is consistent with being in trans (on the opposite chromosome) from a pathogenic variant. ClinVar contains an entry for this variant (Variation ID: 370081). Invitae Evidence Modeling of protein sequence and biophysical properties (such as structural, functional, and spatial information, amino acid conservation, physicochemical variation, residue mobility, and thermodynamic stability) indicates that this missense variant is expected to disrupt ATP7B protein function with a positive predictive value of 80%. Experimental studies have shown that this missense change affects ATP7B function (PMID: 15205462). This variant disrupts the p.Glu1064 amino acid residue in ATP7B. Other variant(s) that disrupt this residue have been determined to be pathogenic (PMID: 15723329, 17272994). This suggests that this residue is clinically significant, and that variants that disrupt this residue are likely to be disease-causing. For these reasons, this variant has been classified as Pathogenic.

CeGaT Center for Human Genetics Tuebingen
Classification: Pathogenic. Last evaluated: 2026-02-01. Review status: criteria provided, single submitter. Criteria: CeGaT Center For Human Genetics Tuebingen Variant Classification Criteria Version 2. Collection method: clinical testing. Allele origin: germline. Affected: yes. Observed: 2 variant alleles.
Comment: ATP7B: PM3:Very Strong, PM2, PM5, PS3:Supporting

Natera, Inc.
Classification: Pathogenic for Wilson disease. Last evaluated: 2025-12-04. Review status: criteria provided, single submitter. Criteria: Natera Variant Classification Schema (03/2026). Collection method: clinical testing. Allele origin: germline.
Comment: The c.3191A>C variant in ATP7B is a missense variant predicted to cause substitution of glutamic acid to alanine at amino acid 1064. This variant is rare in the general population with a frequency below the threshold expected for the associated phenotype(s). This variant has been observed in one or more individuals affected with the associated recessive disease, as either homozygous or compound heterozygous with a second variant (PMID: 33640437). Given the available evidence, this variant is classified as Pathogenic.

PreventionGenetics, part of Exact Sciences
Classification: Pathogenic for ATP7B-related condition. Last evaluated: 2025-08-21. Review status: criteria provided, single submitter. Criteria: ACMG Guidelines, 2015. Collection method: clinical testing. Allele origin: germline.
Comment: The ATP7B c.3191A>C variant is predicted to result in the amino acid substitution p.Glu1064Ala. This variant has been reported in individuals with Wilson disease (Shah et al. 1997. PubMed ID: 9311736). In vitro studies indicate that the p.Glu1064Ala change affects the binding properties of the ATP7B protein (Morgan et al. 2004. PubMed ID: 15205462; Dmitriev et al. 2011. PubMed ID: 21398519). This variant is reported in 0.33% of alleles in individuals of Ashkenazi Jewish descent in gnomAD. Taken together, this variant is interpreted as pathogenic.

Color Diagnostics, LLC DBA Color Health
Classification: Likely pathogenic for Wilson disease. Last evaluated: 2025-06-17. Review status: criteria provided, single submitter. Criteria: ACMG Guidelines, 2015. Collection method: clinical testing. Allele origin: germline.
Comment: This missense variant replaces glutamic acid with alanine at codon 1064 of the ATP7B protein. Computational prediction suggests that this variant may have deleterious impact on protein structure and function. This variant alters a conserved glutamic acid residue in the N (ATP nucleotide-binding) domain of the ATP7B protein (a.a. 1032 - 1196), a highly conserved region that is considered to be important for ATP7B protein function (PMID: 35245129ClinVar). A functional study has shown that this variant causes a complete loss of the ATP binding function of ATP7B protein (PMID: 15205462). This variant has been observed in multiple individuals affected with Wilson disease in the homozygous state (PMID: 9482578) and in the compound heterozygous state with another pathogenic variant in the same gene (PMID: 15723329, 16175588, 23518715, 23518715, 36096368, 33640437, 36096368). This variant has been identified in 37/249378 chromosomes (33/10068 Ashkenazi Jewish chromosomes) in the general population by the Genome Aggregation Database (gnomAD). A different variant occurring at the same codon, p.Glu1064Lys, is known to cause disease (ClinVar Variation ID: 550969), indicating that glutamic acid at this position is important for ATP7B protein function. Based on the available evidence, this variant is classified as Likely Pathogenic.

Revvity Omics, Revvity
Classification: Pathogenic for Wilson disease. Last evaluated: 2025-04-07. Review status: criteria provided, single submitter. Criteria: ACMG Guidelines, 2015. Collection method: clinical testing. Allele origin: germline.

Blueprint Genetics
Classification: Pathogenic for ATP7B-related disorders. Last evaluated: 2024-11-13. Review status: criteria provided, single submitter. Criteria: ACMG Guidelines, 2015. Collection method: clinical testing. Allele origin: germline. Affected: yes. Observed: 5 variant alleles.

All of Us Research Program, National Institutes of Health
Classification: Likely pathogenic for Wilson disease. Last evaluated: 2024-09-23. Review status: criteria provided, single submitter. Criteria: ACMG Guidelines, 2015. Collection method: clinical testing. Allele origin: germline. Inheritance: Autosomal recessive inheritance. Observed: 48 variant alleles, 48 heterozygotes.
Comment: This missense variant replaces glutamic acid with alanine at codon 1064 of the ATP7B protein. Computational prediction suggests that this variant may have deleterious impact on protein structure and function (internally defined REVEL score threshold >= 0.7, PMID: 27666373). This variant alters a conserved glutamic acid residue in the N (ATP nucleotide-binding) domain of the ATP7B protein (a.a. 1032 - 1196), a highly conserved region that is considered to be important for ATP7B protein function (PMID: 35245129; ClinVar). A functional study has shown that this variant causes a complete loss of the ATP binding function of ATP7B protein (PMID: 15205462). This variant has been observed in multiple individuals affected with Wilson disease in the homozygous state (PMID: 9482578) and in the compound heterozygous state with another pathogenic variant in the same gene (PMID: 15723329, 16175588, 23518715, 23518715, 36096368, 33640437, 36096368). This variant has been identified in 37/249378 chromosomes (33/10068 Ashkenazi Jewish chromosomes) in the general population by the Genome Aggregation Database (gnomAD). A different variant occurring at the same codon, p.Glu1064Lys, is known to cause disease (ClinVar Variation ID: 550969), indicating that glutamic acid at this position is important for ATP7B protein function. Based on the available evidence, this variant is classified as Likely Pathogenic.

This study involves interpretation of variants in research participants for the purpose of population health screening. Participant phenotype was not available at the time of variant classification. Additional details can be found in publication PMID: 35346344, PMCID: PMC8962531